The following is an entry in ClinVar:

NM_001393769.1(MED12L):c.667G>T (p.Val223Leu)

Gene: MED12L (mediator complex subunit 12L; plus strand). Cytogenetic location: 3q25.1.
Variant type: single nucleotide variant.
Coding change: c.667G>T on transcript NM_001393769.1 (MANE Select); coding-DNA position 667, G replaced by T.
Protein change: p.Val223Leu; replaces valine 223 with leucine.
Molecular consequence: missense variant.
Genome position (GRCh38, 1-based): chr3:151,156,271, G>T. VCF-style: chr3-151156271-G-T. GRCh37 (hg19) VCF-style: chr3-150874058-G-T.
Other names: c.667G>T, p.Val223Leu (NM_053002.6); short protein forms V223L.
Identifiers: ClinVar variation 1371171 (VCV001371171.6), dbSNP rs2148936586, ClinGen allele CA354960014.

ClinVar aggregate classification (germline): Uncertain significance (1 of 4 stars; one submission).

Submission:

Labcorp Genetics (formerly Invitae), Labcorp
Classification: Uncertain significance. Last evaluated: 2021-07-31. Review status: criteria provided, single submitter. Criteria: Invitae Variant Classification Sherloc (09022015). Collection method: clinical testing. Allele origin: germline.
Comment: This sequence change replaces valine with leucine at codon 223 of the MED12L protein (p.Val223Leu). The valine residue is moderately conserved and there is a small physicochemical difference between valine and leucine. This variant is not present in population databases (ExAC no frequency). Algorithms developed to predict the effect of missense changes on protein structure and function (SIFT, PolyPhen-2, Align-GVGD) all suggest that this variant is likely to be tolerated. This variant has not been reported in the literature in individuals affected with MED12L-related conditions. In summary, the available evidence is currently insufficient to determine the role of this variant in disease. Therefore, it has been classified as a Variant of Uncertain Significance.